The following is an entry in ClinVar:

NM_001170535.3(ATAD3A):c.283-81G>A

Gene: ATAD3A (ATPase family AAA domain containing 3A; plus strand). Cytogenetic location: 1p36.33.
Variant type: single nucleotide variant.
Coding change: c.283-81G>A on transcript NM_001170535.3 (MANE Select); 81 bases into the intron before coding-DNA position 283, G replaced by A.
Molecular consequence: intron variant. On other transcripts: missense variant (1).
Genome position (GRCh38, 1-based): chr1:1,517,230, G>A. VCF-style: chr1-1517230-G-A. GRCh37 (hg19) VCF-style: chr1-1452610-G-A.
Other names: c.346G>A, p.Gly116Arg (NM_018188.5); c.46-81G>A (NM_001170536.3); short protein forms G116R.
Identifiers: ClinVar variation 3130689 (VCV003130689.17), dbSNP rs1295527713, ClinGen allele CA337849621.

ClinVar aggregate classification (germline): Conflicting classifications of pathogenicity. Review status: criteria provided, conflicting classifications (1 of 4 stars). 2 submissions from 2 submitters: Uncertain significance (1); Likely benign (1). Last evaluated 2024-08-01.

Conditions:
Inborn genetic diseases. Identifiers: MedGen C0950123, MeSH D030342.

Allele frequency attached by ClinVar (database versions not stated): gnomAD 0.00001; gnomAD exomes 0.00002.
gnomAD v4.1: 25 of 1,545,788 alleles (0.0016%); highest among the groups gnomAD compares: East Asian, 0.0051%; no homozygotes.

Submissions (2):

CeGaT Center for Human Genetics Tuebingen
Classification: Likely benign. Last evaluated: 2024-08-01. Review status: criteria provided, single submitter. Criteria: CeGaT Center For Human Genetics Tuebingen Variant Classification Criteria Version 2. Collection method: clinical testing. Allele origin: germline. Affected: yes. Observed: 1 variant allele.
Comment: ATAD3A: BP4

Ambry Genetics
Classification: Uncertain significance for Inborn genetic diseases. Last evaluated: 2023-10-05. Review status: criteria provided, single submitter. Criteria: Ambry Variant Classification Scheme 2023. Collection method: clinical testing. Allele origin: germline.